The following is an entry in ClinVar:

ClinVar aggregate classification (germline): Uncertain significance (1 of 4 stars; one submission).

Conditions:
Familial adenomatous polyposis 1 (FAP1). Also called: POLYPOSIS, ADENOMATOUS INTESTINAL; FAMILIAL ADENOMATOUS POLYPOSIS 1, ATTENUATED. Identifiers: MedGen C2713442, MONDO:0021056, OMIM 175100. Disease mechanism: loss of function.

Submission:

Labcorp Genetics (formerly Invitae), Labcorp
Classification: Uncertain significance for Familial adenomatous polyposis 1. Last evaluated: 2021-09-17. Review status: criteria provided, single submitter. Criteria: Invitae Variant Classification Sherloc (09022015). Collection method: clinical testing. Allele origin: germline.
Comment: This sequence change replaces histidine with arginine at codon 715 of the APC protein (p.His715Arg). The histidine residue is highly conserved and there is a small physicochemical difference between histidine and arginine. This variant is not present in population databases (ExAC no frequency). This variant has not been reported in the literature in individuals affected with APC-related conditions. Algorithms developed to predict the effect of missense changes on protein structure and function (SIFT, PolyPhen-2, Align-GVGD) all suggest that this variant is likely to be disruptive. In summary, the available evidence is currently insufficient to determine the role of this variant in disease. Therefore, it has been classified as a Variant of Uncertain Significance.

NM_000038.6(APC):c.2144A>G (p.His715Arg)

Gene: APC (APC regulator of Wnt signaling pathway; plus strand). Cytogenetic location: 5q22.2.
Variant type: single nucleotide variant.
Coding change: c.2144A>G on transcript NM_000038.6 (MANE Select); coding-DNA position 2144, A replaced by G.
Protein change: p.His715Arg; replaces histidine 715 with arginine.
Molecular consequence: missense variant.
Genome position (GRCh38, 1-based): chr5:112,837,738, A>G. VCF-style: chr5-112837738-A-G. GRCh37 (hg19) VCF-style: chr5-112173435-A-G.
Other names: c.2144A>G, p.His715Arg (NM_001127510.3, NM_001354895.2); c.2090A>G, p.His697Arg (NM_001127511.3); c.2198A>G, p.His733Arg (NM_001354896.2); c.2174A>G, p.His725Arg (NM_001354897.2); c.2069A>G, p.His690Arg (NM_001354898.2); c.2060A>G, p.His687Arg (NM_001354899.2); c.2021A>G, p.His674Arg (NM_001354900.2); c.1967A>G, p.His656Arg (NM_001354901.2); and 5 more; short protein forms H674R, H733R, H624R, H690R, H697R, H432R, H614R, H656R.
Identifiers: ClinVar variation 1485885 (VCV001485885.6), dbSNP rs2149861642, ClinGen allele CA16026021.